The following is an entry in ClinVar:

NM_002471.4(MYH6):c.2839G>A (p.Asp947Asn)

Gene: MYH6 (myosin heavy chain 6; minus strand). Cytogenetic location: 14q11.2.
Variant type: single nucleotide variant.
Coding change: c.2839G>A on transcript NM_002471.4 (MANE Select); coding-DNA position 2839, G replaced by A.
Protein change: p.Asp947Asn; replaces aspartic acid 947 with asparagine.
Molecular consequence: missense variant.
Genome position (GRCh38, 1-based): chr14:23,393,755, C>T on the plus strand (G>A on the coding strand, the complement: MYH6 is on the minus strand). VCF-style: chr14-23393755-C-T. GRCh37 (hg19) VCF-style: chr14-23862964-C-T.
Other names: short protein forms D947N.
Identifiers: ClinVar variation 3235703 (VCV003235703.2), dbSNP rs2502170334, ClinGen allele CA389012287.

ClinVar aggregate classification (germline): Uncertain significance (1 of 4 stars; one submission).

Conditions:
Dilated cardiomyopathy 1EE (CMD1EE). Identifiers: Orphanet 154, MedGen C2750466, MONDO:0013198, OMIM 613252.

Submission:

Regional Center For Medical Genetics Timis, Louis Turcanu Emergency Hospital for Children Timisoara
Classification: Uncertain significance for Dilated cardiomyopathy 1EE. Review status: criteria provided, single submitter. Criteria: ACMG Guidelines, 2015. Collection method: research. Allele origin: germline. Affected: yes. Observed: 1 heterozygote.
Comment: The missense variant is not present in the population databases (gnomAD v4.0.0 genomes and exomes). In silico predictions support the pathogenicity of this variant. The amino acid is conserved among species. The variant is located in a region with a slight intolerance for missense variants. For these reasons, the variant was classified with uncertain significance, according to ACMG 2015 guidelines.